The following is an entry in ClinVar:

NM_001040108.2(MLH3):c.1424C>A (p.Thr475Lys)

Gene: MLH3 (mutL homolog 3; minus strand). Cytogenetic location: 14q24.3.
Variant type: single nucleotide variant.
Coding change: c.1424C>A on transcript NM_001040108.2 (MANE Select); coding-DNA position 1424, C replaced by A.
Protein change: p.Thr475Lys; replaces threonine 475 with lysine.
Molecular consequence: missense variant.
Genome position (GRCh38, 1-based): chr14:75,048,232, G>T on the plus strand (C>A on the coding strand, the complement: MLH3 is on the minus strand). VCF-style: chr14-75048232-G-T. GRCh37 (hg19) VCF-style: chr14-75514935-G-T.
Other names: c.1424C>A, p.Thr475Lys (NM_014381.3); short protein forms T475K.
Identifiers: ClinVar variation 478020 (VCV000478020.11), dbSNP rs376219506, ClinGen allele CA390445752.

ClinVar aggregate classification (germline): Uncertain significance. Review status: criteria provided, multiple submitters, no conflicts (2 of 4 stars). 3 submissions from 3 submitters: Uncertain significance (3). Last evaluated 2025-03-04.

Conditions:
Colorectal cancer, hereditary nonpolyposis, type 7. Identifiers: Orphanet 144, MedGen C1858380, MONDO:0013725, OMIM 614385.

gnomAD v4.1: 1 of 1,613,688 alleles (0.000062%); no homozygotes.

Submissions (3):

Center for Genomic Medicine, Rigshospitalet, Copenhagen University Hospital
Classification: Uncertain significance. Last evaluated: 2025-03-04. Review status: criteria provided, single submitter. Criteria: ACMG Guidelines, 2015. Collection method: clinical testing. Allele origin: germline.

Ambry Genetics
Classification: Uncertain significance. Last evaluated: 2023-09-25. Review status: criteria provided, single submitter. Criteria: Ambry Variant Classification Scheme 2023. Collection method: clinical testing. Allele origin: germline.
Comment: The p.T475K variant (also known as c.1424C>A), located in coding exon 1 of the MLH3 gene, results from a C to A substitution at nucleotide position 1424. The threonine at codon 475 is replaced by lysine, an amino acid with similar properties. This amino acid position is conserved. In addition, this alteration is predicted to be tolerated by in silico analysis. Since supporting evidence is limited at this time, the clinical significance of this alteration remains unclear.

Labcorp Genetics (formerly Invitae), Labcorp
Classification: Uncertain significance for Colorectal cancer, hereditary nonpolyposis, type 7. Last evaluated: 2021-07-14. Review status: criteria provided, single submitter. Criteria: Invitae Variant Classification Sherloc (09022015). Collection method: clinical testing. Allele origin: germline.
Comment: This sequence change replaces threonine with lysine at codon 475 of the MLH3 protein (p.Thr475Lys). The threonine residue is weakly conserved and there is a moderate physicochemical difference between threonine and lysine. This variant is not present in population databases (ExAC no frequency) and has not been reported in the literature in individuals with a MLH3-related disease. Algorithms developed to predict the effect of missense changes on protein structure and function output the following: SIFT: "Tolerated"; PolyPhen-2: "Benign"; Align-GVGD: "Class C0". The lysine amino acid residue is found in multiple mammalian species, suggesting that this missense change does not adversely affect protein function. These predictions have not been confirmed by published functional studies. In summary, this variant is a novel missense change that is not predicted to affect protein function. There is no indication that it causes disease, but the available evidence is currently insufficient to prove that conclusively. Therefore, it has been classified as a Variant of Uncertain Significance.